The following is an entry in ClinVar:

NM_000064.4(C3):c.2529G>C (p.Glu843Asp)

Gene: C3 (complement C3; minus strand). Cytogenetic location: 19p13.3.
Variant type: single nucleotide variant.
Coding change: c.2529G>C on transcript NM_000064.4 (MANE Select); coding-DNA position 2529, G replaced by C.
Protein change: p.Glu843Asp; replaces glutamic acid 843 with aspartic acid.
Molecular consequence: missense variant.
Genome position (GRCh38, 1-based): chr19:6,697,706, C>G on the plus strand (G>C on the coding strand, the complement: C3 is on the minus strand). VCF-style: chr19-6697706-C-G. GRCh37 (hg19) VCF-style: chr19-6697717-C-G.
Other names: short protein forms E843D.
Identifiers: ClinVar variation 3691443 (VCV003691443.2).

ClinVar aggregate classification (germline): Uncertain significance (1 of 4 stars; one submission).

Submission:

Labcorp Genetics (formerly Invitae), Labcorp
Classification: Uncertain significance. Last evaluated: 2024-03-19. Review status: criteria provided, single submitter. Criteria: Invitae Variant Classification Sherloc (09022015). Collection method: clinical testing. Allele origin: germline.
Comment: This sequence change replaces glutamic acid, which is acidic and polar, with aspartic acid, which is acidic and polar, at codon 843 of the C3 protein (p.Glu843Asp). This variant is not present in population databases (gnomAD no frequency). This variant has not been reported in the literature in individuals affected with C3-related conditions. Advanced modeling of protein sequence and biophysical properties (such as structural, functional, and spatial information, amino acid conservation, physicochemical variation, residue mobility, and thermodynamic stability) performed at Invitae indicates that this missense variant is expected to disrupt C3 protein function with a positive predictive value of 80%. In summary, the available evidence is currently insufficient to determine the role of this variant in disease. Therefore, it has been classified as a Variant of Uncertain Significance.